The following is an entry in ClinVar:

NM_003680.4(YARS1):c.8dup (p.Asp3fs)

Genes: S100PBP (S100P binding protein; plus strand), YARS1 (tyrosyl-tRNA synthetase 1; minus strand). Cytogenetic location: 1p35.1.
Variant type: Duplication.
Coding change: c.8dup on transcript NM_003680.4 (MANE Select); coding-DNA position 8, one base duplicated (A; older notation c.8dupA).
Protein change: p.Asp3fs; shifts the reading frame from aspartic acid 3.
Molecular consequence: frameshift variant.
Genome position (GRCh38, 1-based): chr1:32,817,237, T duplicated on the plus strand (A on the coding strand, the reverse complement: YARS1 is on the minus strand). VCF-style (leftmost placement, unchanged base first): chr1-32817236-G-GT. GRCh37 (hg19) VCF-style: chr1-33282837-G-GT.
Other names: c.8dupA (NM_003680.3); c.8dup (NM_003680.3); short protein forms D3fs.
Identifiers: ClinVar variation 423207 (VCV000423207.3), dbSNP rs1553127248, ClinGen allele CA16617139.
Genomic context (GRCh38, chr1:32,817,236, plus strand): 5'-CCCAGGCCTGACCTGCAGGTTCCGGGTGATAAGGTGCAGTTTCTCTTCAGGGCTGGGAGC[G>GT]TCCCCCATGGCTCCGCTACCCCTGCTTCCCCCGCTCAGCCCGGCACCAGAGCCCCTTCCT-3'

ClinVar aggregate classification (germline): Uncertain significance (1 of 4 stars; one submission).

Submission:

GeneDx
Classification: Uncertain significance. Last evaluated: 2023-03-19. Review status: criteria provided, single submitter. Criteria: GeneDx Variant Classification Process June 2021. Collection method: clinical testing. Allele origin: germline. Affected: yes.
Comment: Frameshift variant predicted to result in protein truncation or nonsense mediated decay in a gene or region of a gene for which loss of function is not a well-established mechanism of disease; Not observed at significant frequency in large population cohorts (gnomAD); Has not been previously published as pathogenic or benign to our knowledge